The following is an entry in ClinVar:

ClinVar aggregate classification (germline): Uncertain significance (1 of 4 stars; one submission).

Conditions:
Epidermodysplasia verruciformis. Identifiers: Orphanet 302, MedGen C0014522, MONDO:0009176.

Submission:

Labcorp Genetics (formerly Invitae), Labcorp
Classification: Uncertain significance for Epidermodysplasia verruciformis. Last evaluated: 2022-02-05. Review status: criteria provided, single submitter. Criteria: Invitae Variant Classification Sherloc (09022015). Collection method: clinical testing. Allele origin: germline.
Comment: This variant is not present in population databases (gnomAD no frequency). In summary, the available evidence is currently insufficient to determine the role of this variant in disease. Therefore, it has been classified as a Variant of Uncertain Significance. Algorithms developed to predict the effect of missense changes on protein structure and function (SIFT, PolyPhen-2, Align-GVGD) all suggest that this variant is likely to be tolerated. ClinVar contains an entry for this variant (Variation ID: 838905). This variant has not been reported in the literature in individuals affected with TMC8-related conditions. This sequence change replaces arginine, which is basic and polar, with glycine, which is neutral and non-polar, at codon 279 of the TMC8 protein (p.Arg279Gly).

NM_152468.5(TMC8):c.835C>G (p.Arg279Gly)

Gene: TMC8 (transmembrane channel like 8; plus strand). Cytogenetic location: 17q25.3.
Variant type: single nucleotide variant.
Coding change: c.835C>G on transcript NM_152468.5 (MANE Select); coding-DNA position 835, C replaced by G.
Protein change: p.Arg279Gly; replaces arginine 279 with glycine.
Molecular consequence: missense variant.
Genome position (GRCh38, 1-based): chr17:78,134,412, C>G. VCF-style: chr17-78134412-C-G. GRCh37 (hg19) VCF-style: chr17-76130493-C-G.
Other names: short protein forms R279G.
Identifiers: ClinVar variation 838905 (VCV000838905.10), dbSNP rs767535431, ClinGen allele CA401244626.